The following is an entry in ClinVar:

ClinVar aggregate classification (germline): Uncertain significance (1 of 4 stars; one submission).

Conditions:
DiGeorge syndrome. Also called: THIRD AND FOURTH PHARYNGEAL POUCH SYNDROME; Catch22. Identifiers: Orphanet 567, MedGen C0012236, MONDO:0008564, OMIM 188400.

Submission:

Labcorp Genetics (formerly Invitae), Labcorp
Classification: Uncertain significance for DiGeorge syndrome. Last evaluated: 2022-11-22. Review status: criteria provided, single submitter. Criteria: Invitae Variant Classification Sherloc (09022015). Collection method: clinical testing. Allele origin: germline.
Comment: ClinVar contains an entry for this variant (Variation ID: 1513098). This variant has not been reported in the literature in individuals affected with TBX1-related conditions. This variant is not present in population databases (gnomAD no frequency). This sequence change replaces leucine, which is neutral and non-polar, with phenylalanine, which is neutral and non-polar, at codon 355 of the TBX1 protein (p.Leu355Phe). Algorithms developed to predict the effect of missense changes on protein structure and function (SIFT, PolyPhen-2, Align-GVGD) all suggest that this variant is likely to be tolerated. In summary, the available evidence is currently insufficient to determine the role of this variant in disease. Therefore, it has been classified as a Variant of Uncertain Significance.

NM_001379200.1(TBX1):c.1090C>T (p.Leu364Phe)

Gene: TBX1 (T-box transcription factor 1; plus strand). Cytogenetic location: 22q11.21.
Variant type: single nucleotide variant.
Coding change: c.1090C>T on transcript NM_001379200.1 (MANE Select); coding-DNA position 1090, C replaced by T.
Protein change: p.Leu364Phe; replaces leucine 364 with phenylalanine.
Molecular consequence: missense variant. On other transcripts: intron variant (2).
Genome position (GRCh38, 1-based): chr22:19,766,442, C>T. VCF-style: chr22-19766442-C-T. GRCh37 (hg19) VCF-style: chr22-19753965-C-T.
Other names: c.1063C>T, p.Leu355Phe (NM_080647.1); c.1009+440C>T (NM_005992.1, NM_080646.2); short protein forms L355F, L364F.
Identifiers: ClinVar variation 1513098 (VCV001513098.8), dbSNP rs1200093941, ClinGen allele CA410684069.
Genomic context (GRCh38, chr22:19,766,442, plus strand): 5'-TCCGCAGACGCGGCTGAGGCCCGGCGAGAATTCCAGCGCGACGCGGGCGGGCCAGCAGTG[C>T]TCGGGGACCCGGCGCATCCTCCGCAGCTGCTGGCCCGGGTGCTAAGCCCCTCGCTGCCCG-3'
Protein context (NP_001366129.1, residues 354-374): FQRDAGGPAV[Leu364Phe]GDPAHPPQLL